The following is an entry in ClinVar:

NM_033305.3(VPS13A):c.8907+2T>A

Gene: VPS13A (vacuolar protein sorting 13 homolog A; plus strand). Cytogenetic location: 9q21.2.
Variant type: single nucleotide variant.
Coding change: c.8907+2T>A on transcript NM_033305.3 (MANE Select); the canonical splice donor site of the intron after coding-DNA position 8907, T replaced by A.
Molecular consequence: splice donor variant.
Genome position (GRCh38, 1-based): chr9:77,370,580, T>A. VCF-style: chr9-77370580-T-A. GRCh37 (hg19) VCF-style: chr9-79985496-T-A.
Other names: c.8790+2T>A (NM_001018037.2); c.8907+2T>A (NM_015186.4, NM_001018038.3).
Identifiers: ClinVar variation 1495882 (VCV001495882.7), dbSNP rs1479800564, ClinGen allele CA373868217.

ClinVar aggregate classification (germline): Likely pathogenic (1 of 4 stars; one submission).

Allele frequency attached by ClinVar (database versions not stated): gnomAD 0.00001; TOPMed 0.00001.
gnomAD v4.1: 4 of 1,613,984 alleles (0.00025%); highest among the groups gnomAD compares: Non-Finnish European, 0.00034%; no homozygotes.

Submission:

Labcorp Genetics (formerly Invitae), Labcorp
Classification: Likely pathogenic. Last evaluated: 2024-01-09. Review status: criteria provided, single submitter. Criteria: Invitae Variant Classification Sherloc (09022015). Collection method: clinical testing. Allele origin: germline.
Comment: This sequence change affects a donor splice site in intron 65 of the VPS13A gene. It is expected to disrupt RNA splicing. Variants that disrupt the donor or acceptor splice site typically lead to a loss of protein function (PMID: 16199547), and loss-of-function variants in VPS13A are known to be pathogenic (PMID: 12404112, 21598378). This variant is not present in population databases (gnomAD no frequency). Disruption of this splice site has been observed in individual(s) with chorea-acanthocytosis (PMID: 12404112). ClinVar contains an entry for this variant (Variation ID: 1495882). Algorithms developed to predict the effect of sequence changes on RNA splicing suggest that this variant may disrupt the consensus splice site. In summary, the currently available evidence indicates that the variant is pathogenic, but additional data are needed to prove that conclusively. Therefore, this variant has been classified as Likely Pathogenic.

Literature cited by the submitters: PubMed 16199547; PubMed 12404112; PubMed 21598378.